The following is an entry in ClinVar:

ClinVar aggregate classification (germline): Conflicting classifications of pathogenicity. Review status: criteria provided, conflicting classifications (1 of 4 stars). 2 submissions from 2 submitters: Uncertain significance (1); Likely benign (1). Last evaluated 2026-01-09.

Allele frequency attached by ClinVar (database versions not stated): gnomAD exomes 0.00002 and 0.00003; ExAC 0.00003; gnomAD 0.00015 and 0.00018; TOPMed 0.00022; ESP Exome Variant Server 0.00046.
gnomAD v4.1: 68 of 1,602,492 alleles (0.0042%); highest among the groups gnomAD compares: Middle Eastern, 0.083%; no homozygotes.

Submissions (2):

Labcorp Genetics (formerly Invitae), Labcorp
Classification: Uncertain significance. Last evaluated: 2026-01-09. Review status: criteria provided, single submitter. Criteria: Invitae Variant Classification Sherloc (09022015). Collection method: clinical testing. Allele origin: germline.
Comment: This sequence change affects codon 936 of the CLTC mRNA. It is a 'silent' change, meaning that it does not change the encoded amino acid sequence of the CLTC protein. It affects a nucleotide within the consensus splice site. This variant is present in population databases (rs148395519, gnomAD 0.04%). This variant has not been reported in the literature in individuals affected with CLTC-related conditions. ClinVar contains an entry for this variant (Variation ID: 1417988). Algorithms developed to predict the effect of sequence changes on RNA splicing suggest that this variant is not likely to affect RNA splicing. In summary, the available evidence is currently insufficient to determine the role of this variant in disease. Therefore, it has been classified as a Variant of Uncertain Significance.

Blueprint Genetics
Classification: Likely benign. Last evaluated: 2024-04-15. Review status: criteria provided, single submitter. Criteria: ACMG Guidelines, 2015. Collection method: clinical testing. Allele origin: germline.

NM_004859.4(CLTC):c.2796T>C (p.Asn932=)

Gene: CLTC (clathrin heavy chain; plus strand). Cytogenetic location: 17q23.1.
Variant type: single nucleotide variant.
Coding change: c.2796T>C on transcript NM_004859.4 (MANE Select); coding-DNA position 2796, T replaced by C.
Protein change: p.Asn932=; no amino-acid change (asparagine 932 retained).
Molecular consequence: synonymous variant.
Genome position (GRCh38, 1-based): chr17:59,677,188, T>C. VCF-style: chr17-59677188-T-C. GRCh37 (hg19) VCF-style: chr17-57754549-T-C.
Other names: c.2808T>C, p.Asn936= (NM_001288653.2).
Identifiers: ClinVar variation 1417988 (VCV001417988.7), dbSNP rs148395519, ClinGen allele CA8681456.
Genomic context (GRCh38, chr17:59,677,188, plus strand): 5'-AGATCCACATCTGGCCTGTGTTGCTTATGAACGTGGCCAATGTGATCTGGAACTTATTAA[T>C]GTGAGTACTGCTAGCTGAATATGTAGAGAAGCTGCATTTTTAAAAACCTGTTACATGAGA-3'
Protein context (NP_004850.1, residues 922-942): ERGQCDLELI[Asn932=]VCNENSLFKS